The following is an entry in ClinVar:

ClinVar aggregate classification (germline): Likely pathogenic (1 of 4 stars; one submission).

Conditions:
Orofacial cleft 1 (OFC1). Also called: Nonsyndromic Cleft Lip/Palate; CLEFT LIP WITH OR WITHOUT CLEFT PALATE, NONSYNDROMIC, 1; OROFACIAL CLEFT, NONSYNDROMIC. Identifiers: MedGen C1861537, MeSH C566121, MONDO:0007335, OMIM 119530.

gnomAD v4.1: 1 of 1,607,096 alleles (0.000062%); highest among the groups gnomAD compares: Non-Finnish European, 0.000085%; no homozygotes.

Submission:

Grupo de Genetica Humana, Facultad de Medicina - Universidad de La Sabana
Classification: Likely pathogenic for Orofacial cleft 1. Last evaluated: 2022-11-22. Review status: criteria provided, single submitter. Criteria: ACMG Guidelines, 2015. Collection method: research. Allele origin: germline. Affected: yes and no. Observed: 4 variant alleles.
Comment: This variant occurs in a strongly conserved region of the unique exon of the MAFB gene, and most variants located in this region have been classified as pathogenic. Although this particular variant has not been linked to orofacial cleft (OFC) phenotypes, other variants in MAFB have been strongly correlated with syndromic and non-syndromic forms of OFC.

Literature cited by the submitters: DOI:10.1002/ajmg.a.36691; DOI:10.1016/j.gdata.2016.08.017; DOI:10.1016/J.BJOMS.2020.05.034; DOI:10.1055/s-0041-1733809.

NM_005461.5(MAFB):c.11A>G (p.Glu4Gly)

Gene: MAFB (MAF bZIP transcription factor B; minus strand). Cytogenetic location: 20q12.
Variant type: single nucleotide variant.
Coding change: c.11A>G on transcript NM_005461.5 (MANE Select); coding-DNA position 11, A replaced by G.
Protein change: p.Glu4Gly; replaces glutamic acid 4 with glycine.
Molecular consequence: missense variant.
Genome position (GRCh38, 1-based): chr20:40,688,840, T>C on the plus strand (A>G on the coding strand, the complement: MAFB is on the minus strand). VCF-style: chr20-40688840-T-C. GRCh37 (hg19) VCF-style: chr20-39317480-T-C.
Other names: short protein forms E4G.
Identifiers: ClinVar variation 2575898 (VCV002575898.2), dbSNP rs745460952, ClinGen allele CA408942082.